The following is an entry in ClinVar:

NM_003579.4(RAD54L):c.446T>G (p.Leu149Arg)

Gene: RAD54L (RAD54 like; plus strand). Cytogenetic location: 1p34.1.
Variant type: single nucleotide variant.
Coding change: c.446T>G on transcript NM_003579.4 (MANE Select); coding-DNA position 446, T replaced by G.
Protein change: p.Leu149Arg; replaces leucine 149 with arginine.
Molecular consequence: missense variant. On other transcripts: 5 prime UTR variant (1).
Genome position (GRCh38, 1-based): chr1:46,260,580, T>G. VCF-style: chr1-46260580-T-G. GRCh37 (hg19) VCF-style: chr1-46726252-T-G.
Other names: c.446T>G, p.Leu149Arg (NM_001142548.2); c.-95T>G (NM_001370766.1); short protein forms L149R.
Identifiers: ClinVar variation 1740825 (VCV001740825.2), dbSNP rs1008084545, ClinGen allele CA21905923.

ClinVar aggregate classification (germline): Uncertain significance (1 of 4 stars; one submission).

Allele frequency attached by ClinVar (database versions not stated): gnomAD exomes below 0.00001; TOPMed 0.00001.
gnomAD v4.1: 1 of 1,614,122 alleles (0.000062%); highest among the groups gnomAD compares: African/African-American, 0.0013%; no homozygotes.

Submission:

Ambry Genetics
Classification: Uncertain significance. Last evaluated: 2024-03-10. Review status: criteria provided, single submitter. Criteria: Ambry Variant Classification Scheme 2023. Collection method: clinical testing. Allele origin: germline.
Comment: The p.L149R variant (also known as c.446T>G), located in coding exon 6 of the RAD54L gene, results from a T to G substitution at nucleotide position 446. The leucine at codon 149 is replaced by arginine, an amino acid with dissimilar properties. This amino acid position is conserved. In addition, this alteration is predicted to be deleterious by in silico analysis. Since supporting evidence is limited at this time, the clinical significance of this alteration remains unclear.